The following is an entry in ClinVar:

NM_025081.3(NYNRIN):c.2060C>T (p.Pro687Leu)

Gene: NYNRIN (NYN domain and retroviral integrase containing; plus strand). Cytogenetic location: 14q12.
Variant type: single nucleotide variant.
Coding change: c.2060C>T on transcript NM_025081.3 (MANE Select); coding-DNA position 2060, C replaced by T.
Protein change: p.Pro687Leu; replaces proline 687 with leucine.
Molecular consequence: missense variant.
Genome position (GRCh38, 1-based): chr14:24,409,854, C>T. VCF-style: chr14-24409854-C-T. GRCh37 (hg19) VCF-style: chr14-24879060-C-T.
Other names: short protein forms P687L.
Identifiers: ClinVar variation 2489649 (VCV002489649.4), dbSNP rs554700851, ClinGen allele CA7136900.
Genomic context (GRCh38, chr14:24,409,854, plus strand): 5'-AAGTACCTGTGACCCCCAGAGTCTCCAGAGCTCCCAAAACACCTGCAGCTCAGAAGGTGC[C>T]CACGGATGCAGGGCCAACCTTGGATGTAGCCAGACTTCTGAGTGAGGTCCAGCCTACATC-3'
Protein context (NP_079357.2, residues 677-697): APKTPAAQKV[Pro687Leu]TDAGPTLDVA

ClinVar aggregate classification (germline): Uncertain significance. Review status: criteria provided, multiple submitters, no conflicts (2 of 4 stars). 2 submissions from 2 submitters: Uncertain significance (2). Last evaluated 2024-10-27.

Allele frequency attached by ClinVar (database versions not stated): gnomAD exomes 0.00001; gnomAD 0.00002; TOPMed 0.00002; ExAC 0.00004; 1000 Genomes Project 0.00020; 1000 Genomes Project 30x 0.00031.
gnomAD v4.1: 11 of 1,613,458 alleles (0.00068%); highest among the groups gnomAD compares: East Asian, 0.025%; no homozygotes.

Submissions (2):

Labcorp Genetics (formerly Invitae), Labcorp
Classification: Uncertain significance. Last evaluated: 2024-10-27. Review status: criteria provided, single submitter. Criteria: Invitae Variant Classification Sherloc (09022015). Collection method: clinical testing. Allele origin: germline.
Comment: This sequence change replaces proline, which is neutral and non-polar, with leucine, which is neutral and non-polar, at codon 687 of the NYNRIN protein (p.Pro687Leu). This variant is present in population databases (rs554700851, gnomAD 0.03%). This variant has not been reported in the literature in individuals affected with NYNRIN-related conditions. ClinVar contains an entry for this variant (Variation ID: 2489649). An algorithm developed to predict the effect of missense changes on protein structure and function outputs the following: PolyPhen-2: "Not Available". The leucine amino acid residue is found in multiple mammalian species, which suggests that this missense change does not adversely affect protein function. In summary, the available evidence is currently insufficient to determine the role of this variant in disease. Therefore, it has been classified as a Variant of Uncertain Significance.

Ambry Genetics
Classification: Uncertain significance. Last evaluated: 2023-02-27. Review status: criteria provided, single submitter. Criteria: Ambry Variant Classification Scheme 2023. Collection method: clinical testing. Allele origin: germline.